The following is an entry in ClinVar:

ClinVar aggregate classification (germline): Uncertain significance. Review status: criteria provided, multiple submitters, no conflicts (2 of 4 stars). 3 submissions from 3 submitters: Uncertain significance (2). 1 of the submissions does not count toward it. Last evaluated 2026-01-26.

Conditions:
ACAN-related disorder. Also called: ACAN-related condition; ACAN-related disorders.
Spondyloepiphyseal dysplasia, Kimberley type. Identifiers: Orphanet 93283, MedGen C1842149, MONDO:0012019, OMIM 608361.
Short stature and advanced bone age, with or without early-onset osteoarthritis and/or osteochondritis dissecans (SSOAOD). Identifiers: Orphanet 251262, MedGen C3665488, MONDO:0100462, OMIM 165800.
Spondyloepimetaphyseal dysplasia, aggrecan type. Also called: SEMD, AGGRECAN TYPE. Identifiers: Orphanet 171866, MedGen C2748544, MONDO:0013014, OMIM 612813.

Allele frequency attached by ClinVar (database versions not stated): gnomAD 0.00001 and 0.00002; gnomAD exomes 0.00003 and 0.00007; TOPMed 0.00005; ExAC 0.00009.
gnomAD v4.1: 52 of 1,612,216 alleles (0.0032%); highest among the groups gnomAD compares: South Asian, 0.022%; no homozygotes.

Submissions (3):

Labcorp Genetics (formerly Invitae), Labcorp
Classification: Uncertain significance. Last evaluated: 2026-01-26. Review status: criteria provided, single submitter. Criteria: Invitae Variant Classification Sherloc (09022015). Collection method: clinical testing. Allele origin: germline.
Comment: This sequence change affects codon 2315 of the ACAN mRNA. It is a 'silent' change, meaning that it does not change the encoded amino acid sequence of the ACAN protein. It affects a nucleotide within the consensus splice site. This variant is present in population databases (rs751061684, gnomAD 0.08%). This variant has not been reported in the literature in individuals affected with ACAN-related conditions. ClinVar contains an entry for this variant (Variation ID: 1367420). Algorithms developed to predict the effect of sequence changes on RNA splicing suggest that this variant is not likely to affect RNA splicing. In summary, the available evidence is currently insufficient to determine the role of this variant in disease. Therefore, it has been classified as a Variant of Uncertain Significance.

Fulgent Genetics
Classification: Uncertain significance for Short stature and advanced bone age, with or without early-onset osteoarthritis and/or osteochondritis dissecans; Spondyloepiphyseal dysplasia, Kimberley type; Spondyloepimetaphyseal dysplasia, aggrecan type. Last evaluated: 2024-06-05. Review status: criteria provided, single submitter. Criteria: ACMG Guidelines, 2015. Collection method: clinical testing. Allele origin: germline.

PreventionGenetics, part of Exact Sciences
Classification: Likely benign for ACAN-related condition. Last evaluated: 2021-06-02. Review status: no assertion criteria provided. Collection method: clinical testing. Allele origin: germline. Not counted in ClinVar's aggregate classification.
Comment: This variant is classified as likely benign based on ACMG/AMP sequence variant interpretation guidelines (Richards et al. 2015 PMID: 25741868, with internal and published modifications).

NM_001369268.1(ACAN):c.6945A>T (p.Ile2315=)

Gene: ACAN (aggrecan; plus strand). Cytogenetic location: 15q26.1.
Variant type: single nucleotide variant.
Coding change: c.6945A>T on transcript NM_001369268.1 (MANE Select); coding-DNA position 6945, A replaced by T.
Protein change: p.Ile2315=; no amino-acid change (isoleucine 2315 retained).
Molecular consequence: synonymous variant. On other transcripts: intron variant (1).
Genome position (GRCh38, 1-based): chr15:88,860,438, A>T. VCF-style: chr15-88860438-A-T. GRCh37 (hg19) VCF-style: chr15-89403669-A-T.
Other names: c.6945A>T, p.Ile2315= (NM_013227.4); c.6832+1021A>T (NM_001135.4); c.6945A>T (NM_013227.3).
Identifiers: ClinVar variation 1367420 (VCV001367420.11), dbSNP rs751061684, ClinGen allele CA7720529.
Genomic context (GRCh38, chr15:88,860,438, plus strand): 5'-GACAGAGGGACACGTCATATGCCTGTGCCCCCCTGGCTACACTGGCGAGCACTGTAACAT[A>T]GGTAAGGCCCTCATTGGCCGTGGAGAGTGAGGGCGGAGGCGCTGGACAGACTTCTTCATC-3'
Protein context (NP_001356197.1, residues 2305-2325): PPGYTGEHCN[Ile2315=]DIDECLSSPC